The following is an entry in ClinVar:

NM_032043.3(BRIP1):c.1015G>T (p.Glu339Ter)

Gene: BRIP1 (BRCA1 interacting DNA helicase 1; minus strand). Cytogenetic location: 17q23.2.
Variant type: single nucleotide variant.
Coding change: c.1015G>T on transcript NM_032043.3 (MANE Select); coding-DNA position 1015, G replaced by T.
Protein change: p.Glu339Ter; replaces glutamic acid 339 with a stop codon.
Molecular consequence: nonsense.
Genome position (GRCh38, 1-based): chr17:61,801,378, C>A on the plus strand (G>T on the coding strand, the complement: BRIP1 is on the minus strand). VCF-style: chr17-61801378-C-A. GRCh37 (hg19) VCF-style: chr17-59878739-C-A.
Other names: short protein forms E339*.
Identifiers: ClinVar variation 1743204 (VCV001743204.4), dbSNP rs2145337853, ClinGen allele CA400484108.

ClinVar aggregate classification (germline): Pathogenic. Review status: criteria provided, multiple submitters, no conflicts (2 of 4 stars). 2 submissions from 2 submitters: Pathogenic (2). Last evaluated 2023-06-01.

Conditions:
Hereditary cancer-predisposing syndrome. Also called: Hereditary Cancer Syndrome; Neoplastic Syndromes, Hereditary; Tumor predisposition; Hereditary neoplastic syndrome. Identifiers: Orphanet 140162, MedGen C0027672, MeSH D009386, MONDO:0015356.
Familial cancer of breast. Also called: BREAST CANCER, FAMILIAL; Hereditary breast cancer; hereditary breast carcinoma. Identifiers: Orphanet 227535, MedGen C0346153, MONDO:0016419, OMIM 114480. Disease mechanism: loss of function.

Allele frequency attached by ClinVar (database versions not stated): gnomAD exomes below 0.00001.
gnomAD v4.1: 1 of 1,613,946 alleles (0.000062%); highest among the groups gnomAD compares: Non-Finnish European, 0.000085%; no homozygotes.

Submissions (2):

Myriad Genetics, Inc.
Classification: Pathogenic for Familial cancer of breast. Last evaluated: 2023-06-01. Review status: criteria provided, single submitter. Criteria: Myriad Autosomal Dominant, Autosomal Recessive and X-Linked Classification Criteria (2023). Collection method: clinical testing. Allele origin: unknown.
Comment: This variant is considered pathogenic. This variant creates a termination codon and is predicted to result in premature protein truncation.

Ambry Genetics
Classification: Pathogenic for Hereditary cancer-predisposing syndrome. Last evaluated: 2020-02-26. Review status: criteria provided, single submitter. Criteria: Ambry Variant Classification Scheme 2023. Collection method: clinical testing. Allele origin: germline.
Comment: The p.E339* pathogenic mutation (also known as c.1015G>T), located in coding exon 7 of the BRIP1 gene, results from a G to T substitution at nucleotide position 1015. This changes the amino acid from a glutamic acid to a stop codon within coding exon 7. This alteration is expected to result in loss of function by premature protein truncation or nonsense-mediated mRNA decay. As such, this alteration is interpreted as a disease-causing mutation.